The following is an entry in ClinVar:

NM_005585.5(SMAD6):c.461G>A (p.Gly154Asp)

Gene: SMAD6 (SMAD family member 6; plus strand). Cytogenetic location: 15q22.31.
Variant type: single nucleotide variant.
Coding change: c.461G>A on transcript NM_005585.5 (MANE Select); coding-DNA position 461, G replaced by A.
Protein change: p.Gly154Asp; replaces glycine 154 with aspartic acid.
Molecular consequence: missense variant. On other transcripts: non-coding transcript variant (1).
Genome position (GRCh38, 1-based): chr15:66,703,719, G>A. VCF-style: chr15-66703719-G-A. GRCh37 (hg19) VCF-style: chr15-66996057-G-A.
Other names: short protein forms G154D.
Identifiers: ClinVar variation 690425 (VCV000690425.2), dbSNP rs1595756962, ClinGen allele CA392949600.

ClinVar aggregate classification (germline): Likely pathogenic (0 of 4 stars; one submission).

Conditions:
Radioulnar synostosis. Also called: Congenital radioulnar synostosis. Identifiers: Orphanet 3269, MedGen C0158761, MONDO:0017985, HP:0002974.

Submission:

The Laboratory of Genetics and Metabolism, Hunan Children’s Hospital
Classification: Likely pathogenic for radioulnar synostosis. Last evaluated: 2019-05-14. Review status: no assertion criteria provided. Collection method: case-control. Allele origin: maternal. Affected: yes.
Comment: PVS1, PM2, PP4